The following is an entry in ClinVar:

ClinVar aggregate classification (germline): Uncertain significance. Review status: criteria provided, multiple submitters, no conflicts (2 of 4 stars). 2 submissions from 2 submitters: Uncertain significance (2). Last evaluated 2026-01-15.

Conditions:
Inborn genetic diseases. Identifiers: MedGen C0950123, MeSH D030342.

Allele frequency attached by ClinVar (database versions not stated): ExAC 0.00001; gnomAD exomes below 0.00001; TOPMed 0.00002; gnomAD 0.00002; ESP Exome Variant Server 0.00008.
gnomAD v4.1: 9 of 1,611,346 alleles (0.00056%); highest among the groups gnomAD compares: Non-Finnish European, 0.00076%; no homozygotes.

Submissions (2):

Labcorp Genetics (formerly Invitae), Labcorp
Classification: Uncertain significance. Last evaluated: 2026-01-15. Review status: criteria provided, single submitter. Criteria: Invitae Variant Classification Sherloc (09022015). Collection method: clinical testing. Allele origin: germline.
Comment: This sequence change replaces serine, which is neutral and polar, with glycine, which is neutral and non-polar, at codon 8 of the MBD4 protein (p.Ser8Gly). This variant is present in population databases (rs143075296, gnomAD 0.002%). This variant has not been reported in the literature in individuals affected with MBD4-related conditions. ClinVar contains an entry for this variant (Variation ID: 2913777). An algorithm developed to predict the effect of missense changes on protein structure and function (PolyPhen-2) suggests that this variant is likely to be tolerated. In summary, the available evidence is currently insufficient to determine the role of this variant in disease. Therefore, it has been classified as a Variant of Uncertain Significance.

Ambry Genetics
Classification: Uncertain significance for Inborn genetic diseases. Last evaluated: 2025-04-15. Review status: criteria provided, single submitter. Criteria: Ambry Variant Classification Scheme 2023. Collection method: clinical testing. Allele origin: germline.

NM_001276270.2(MBD4):c.22A>G (p.Ser8Gly)

Genes: MBD4 (methyl-CpG binding domain 4, DNA glycosylase; minus strand), LOC129937550 (ATAC-STARR-seq lymphoblastoid active region 20512; plus strand). Cytogenetic location: 3q21.3.
Variant type: single nucleotide variant.
Coding change: c.22A>G on transcript NM_001276270.2 (MANE Select); coding-DNA position 22, A replaced by G.
Protein change: p.Ser8Gly; replaces serine 8 with glycine.
Molecular consequence: missense variant.
Genome position (GRCh38, 1-based): chr3:129,439,812, T>C on the plus strand (A>G on the coding strand, the complement: MBD4 is on the minus strand). VCF-style: chr3-129439812-T-C. GRCh37 (hg19) VCF-style: chr3-129158655-T-C.
Other names: c.22A>G, p.Ser8Gly (NM_001276271.2, NM_001276272.2, NM_001276273.2 and 1 more transcripts); short protein forms S8G.
Identifiers: ClinVar variation 2913777 (VCV002913777.5), dbSNP rs143075296, ClinGen allele CA2605631.